The following is an entry in ClinVar:

ClinVar aggregate classification (germline): Uncertain significance (1 of 4 stars; one submission).

Conditions:
Cystic fibrosis (CF). Also called: MUCOVISCIDOSIS. Identifiers: Orphanet 586, MedGen C0010674, MONDO:0009061, OMIM 219700. Disease mechanism: loss of function.

Submission:

Ambry Genetics
Classification: Uncertain significance for Cystic fibrosis. Last evaluated: 2026-07-01. Review status: criteria provided, single submitter. Criteria: Ambry Variant Classification Scheme 2023. Collection method: clinical testing. Allele origin: germline.
Comment: The p.Q1330H variant (also known as c.3990G>T), located in coding exon 25 of the CFTR gene, results from a G to T substitution at nucleotide position 3990. The glutamine at codon 1330 is replaced by histidine, an amino acid with highly similar properties. This amino acid position is conserved. In addition, the in silico prediction for this alteration is inconclusive. Based on the available evidence, the clinical significance of this variant remains unclear.

NM_000492.4(CFTR):c.3990G>T (p.Gln1330His)

Gene: CFTR (CF transmembrane conductance regulator; plus strand). Cytogenetic location: 7q31.2.
Variant type: single nucleotide variant.
Coding change: c.3990G>T on transcript NM_000492.4 (MANE Select); coding-DNA position 3990, G replaced by T.
Protein change: p.Gln1330His; replaces glutamine 1330 with histidine.
Molecular consequence: missense variant.
Genome position (GRCh38, 1-based): chr7:117,664,714, G>T. VCF-style: chr7-117664714-G-T. GRCh37 (hg19) VCF-style: chr7-117304768-G-T.
Other names: short protein forms Q1330H.
Identifiers: ClinVar variation 5034431 (VCV005034431.1).